The following is an entry in ClinVar:

NM_003482.4(KMT2D):c.6148A>G (p.Arg2050Gly)

Gene: KMT2D (lysine methyltransferase 2D; minus strand). Cytogenetic location: 12q13.12.
Variant type: single nucleotide variant.
Coding change: c.6148A>G on transcript NM_003482.4 (MANE Select); coding-DNA position 6148, A replaced by G.
Protein change: p.Arg2050Gly; replaces arginine 2050 with glycine.
Molecular consequence: missense variant.
Genome position (GRCh38, 1-based): chr12:49,041,952, T>C on the plus strand (A>G on the coding strand, the complement: KMT2D is on the minus strand). VCF-style: chr12-49041952-T-C. GRCh37 (hg19) VCF-style: chr12-49435735-T-C.
Other names: short protein forms R2050G.
Identifiers: ClinVar variation 4531423 (VCV004531423.1).

ClinVar aggregate classification (germline): Uncertain significance (1 of 4 stars; one submission).

Conditions:
Kabuki syndrome 1 (KABUK1). Also called: KMT2D-Related Kabuki Syndrome. Identifiers: Orphanet 2322, MedGen CN030661, MONDO:0007843, OMIM 147920.

Submission:

Victorian Clinical Genetics Services, Murdoch Childrens Research Institute
Classification: Uncertain significance for Kabuki syndrome 1. Last evaluated: 2025-10-07. Review status: criteria provided, single submitter. Criteria: ACMG Guidelines, 2015. Collection method: clinical testing. Allele origin: germline. Affected: yes.
Comment: This variant is classified as VUS-3B. Evidence in support of pathogenic classification: Variant is absent from gnomAD (v2, v3 and v4); Missense variant predicted to be damaging by in silico tool(s) or highly conserved with a major amino acid change. Additional information: Variant is predicted to result in a missense amino acid change from Arg to Gly; This variant is heterozygous; This gene is associated with autosomal dominant disease; Alternative amino acid change(s) at the same position are present in gnomAD (Highest allele count: v4: 1 heterozygote(s), 0 homozygote(s)). - This variant has no previous evidence of pathogenicity; No published evidence of segregation with disease has been identified for this variant; No published functional evidence has been identified for this variant; No comparable missense variants have previous evidence for pathogenicity; Variant is not located in an established domain, motif, hotspot or informative constraint region; Loss of function is a known mechanism of disease in this gene and is associated with Kabuki syndrome 1 (MIM#147920) and branchial arch abnormalities, choanal atresia, athelia, hearing loss, and hypothyroidism syndrome (MIM#620186); Variants in this gene associated with Kabuki syndrome 1 (MIM#147920) are known to have variable expressivity (PMID: 21882399). Additionally, missense variants in exons 38-39 are associated with a phenotype distinct from Kabuki syndrome (PMIDs: 31949313, 35060672).

Literature cited by the submitters: PubMed 21882399; PubMed 35060672; PubMed 31949313.